The following is an entry in ClinVar:

ClinVar aggregate classification (germline): Uncertain significance (1 of 4 stars; one submission).

Allele frequency attached by ClinVar (database versions not stated): gnomAD exomes below 0.00001; TOPMed below 0.00001.
gnomAD v4.1: 4 of 1,612,918 alleles (0.00025%); highest among the groups gnomAD compares: Non-Finnish European, 0.00025%; no homozygotes.

Submission:

Labcorp Genetics (formerly Invitae), Labcorp
Classification: Uncertain significance. Last evaluated: 2022-05-27. Review status: criteria provided, single submitter. Criteria: Invitae Variant Classification Sherloc (09022015). Collection method: clinical testing. Allele origin: germline.
Comment: In summary, the available evidence is currently insufficient to determine the role of this variant in disease. Therefore, it has been classified as a Variant of Uncertain Significance. Algorithms developed to predict the effect of missense changes on protein structure and function are either unavailable or do not agree on the potential impact of this missense change (SIFT: "Deleterious"; PolyPhen-2: "Benign"; Align-GVGD: "Class C0"). This variant has not been reported in the literature in individuals affected with CACNA1B-related conditions. The frequency data for this variant in the population databases is considered unreliable, as metrics indicate poor data quality at this position in the gnomAD database. This sequence change replaces arginine, which is basic and polar, with cysteine, which is neutral and slightly polar, at codon 376 of the CACNA1B protein (p.Arg376Cys).

NM_000718.4(CACNA1B):c.1126C>T (p.Arg376Cys)

Gene: CACNA1B (calcium voltage-gated channel subunit alpha1 B; plus strand). Cytogenetic location: 9q34.3.
Variant type: single nucleotide variant.
Coding change: c.1126C>T on transcript NM_000718.4 (MANE Select); coding-DNA position 1126, C replaced by T.
Protein change: p.Arg376Cys; replaces arginine 376 with cysteine.
Molecular consequence: missense variant.
Genome position (GRCh38, 1-based): chr9:137,955,753, C>T. VCF-style: chr9-137955753-C-T. GRCh37 (hg19) VCF-style: chr9-140850205-C-T.
Other names: c.1126C>T, p.Arg376Cys (NM_001243812.2); short protein forms R376C.
Identifiers: ClinVar variation 1962439 (VCV001962439.5), dbSNP rs1201038893, ClinGen allele CA375801814.